The following is an entry in ClinVar:

ClinVar aggregate classification (germline): Uncertain significance. Review status: criteria provided, multiple submitters, no conflicts (2 of 4 stars). 2 submissions from 2 submitters: Uncertain significance (2). Last evaluated 2021-12-06.

Conditions:
Hypophosphatemic nephrolithiasis/osteoporosis 2. Identifiers: Orphanet 244305, MedGen C2676782, MONDO:0012851, OMIM 612287.

Allele frequency attached by ClinVar (database versions not stated): gnomAD exomes below 0.00001 and 0.00001; gnomAD 0.00001; TOPMed 0.00001.
gnomAD v4.1: 17 of 1,613,400 alleles (0.0011%); highest among the groups gnomAD compares: African/African-American, 0.0013%; no homozygotes.

Submissions (2):

Fulgent Genetics
Classification: Uncertain significance for Hypophosphatemic nephrolithiasis/osteoporosis 2. Last evaluated: 2021-12-06. Review status: criteria provided, single submitter. Criteria: ACMG Guidelines, 2015. Collection method: clinical testing. Allele origin: unknown.

Labcorp Genetics (formerly Invitae), Labcorp
Classification: Uncertain significance. Last evaluated: 2021-10-18. Review status: criteria provided, single submitter. Criteria: Invitae Variant Classification Sherloc (09022015). Collection method: clinical testing. Allele origin: germline.
Comment: In summary, the available evidence is currently insufficient to determine the role of this variant in disease. Therefore, it has been classified as a Variant of Uncertain Significance. Algorithms developed to predict the effect of missense changes on protein structure and function output the following: SIFT: "Tolerated"; PolyPhen-2: "Benign"; Align-GVGD: "Class C0". The alanine amino acid residue is found in multiple mammalian species, which suggests that this missense change does not adversely affect protein function. This variant has not been reported in the literature in individuals affected with SLC9A3R1-related conditions. This variant is not present in population databases (ExAC no frequency). This sequence change replaces threonine with alanine at codon 314 of the SLC9A3R1 protein (p.Thr314Ala). The threonine residue is weakly conserved and there is a small physicochemical difference between threonine and alanine.

NM_004252.5(NHERF1):c.940A>G (p.Thr314Ala)

Gene: NHERF1 (NHERF family PDZ scaffold protein 1; plus strand). Cytogenetic location: 17q25.1.
Variant type: single nucleotide variant.
Coding change: c.940A>G on transcript NM_004252.5 (MANE Select); coding-DNA position 940, A replaced by G.
Protein change: p.Thr314Ala; replaces threonine 314 with alanine.
Molecular consequence: missense variant.
Genome position (GRCh38, 1-based): chr17:74,768,519, A>G. VCF-style: chr17-74768519-A-G. GRCh37 (hg19) VCF-style: chr17-72764658-A-G.
Other names: short protein forms T314A.
Identifiers: ClinVar variation 1439727 (VCV001439727.6), dbSNP rs1567826349, ClinGen allele CA400942230.
Genomic context (GRCh38, chr17:74,768,519, plus strand): 5'-TCTTTACAGCTGAATTCCCAAGACAGCCCCCCAAAACAGGACTCCACAGCGCCCTCGTCT[A>G]CCTCCTCCTCCGACCCCATCCTAGACTTCAACATCTCCCTGGCCATGGCCAAAGAGAGGG-3'
Protein context (NP_004243.1, residues 304-324): PKQDSTAPSS[Thr314Ala]SSSDPILDFN